The following is an entry in ClinVar:

ClinVar aggregate classification (germline): Uncertain significance (1 of 4 stars; one submission).

Conditions:
Catecholaminergic polymorphic ventricular tachycardia 1. Also called: VENTRICULAR TACHYCARDIA, STRESS-INDUCED POLYMORPHIC 1; RYR2-Related Catecholaminergic Polymorphic Ventricular Tachycardia; VENTRICULAR TACHYCARDIA, CATECHOLAMINERGIC POLYMORPHIC, 1, WITH OR WITHOUT ATRIAL DYSFUNCTION AND/OR DILATED CARDIOMYOPATHY. Identifiers: Orphanet 3286, MedGen C1631597, MONDO:0011484, OMIM 604772.

Submission:

Labcorp Genetics (formerly Invitae), Labcorp
Classification: Uncertain significance for Catecholaminergic polymorphic ventricular tachycardia 1. Last evaluated: 2025-07-06. Review status: criteria provided, single submitter. Criteria: Invitae Variant Classification Sherloc (09022015). Collection method: clinical testing. Allele origin: germline.
Comment: This sequence change replaces phenylalanine, which is neutral and non-polar, with serine, which is neutral and polar, at codon 2594 of the RYR2 protein (p.Phe2594Ser). This variant is not present in population databases (gnomAD no frequency). This variant has not been reported in the literature in individuals affected with RYR2-related conditions. Invitae Evidence Modeling of protein sequence and biophysical properties (such as structural, functional, and spatial information, amino acid conservation, physicochemical variation, residue mobility, and thermodynamic stability) indicates that this missense variant is expected to disrupt RYR2 protein function with a positive predictive value of 95%. In summary, the available evidence is currently insufficient to determine the role of this variant in disease. Therefore, it has been classified as a Variant of Uncertain Significance.

NM_001035.3(RYR2):c.7781T>C (p.Phe2594Ser)

Gene: RYR2 (ryanodine receptor 2; plus strand). Cytogenetic location: 1q43.
Variant type: single nucleotide variant.
Coding change: c.7781T>C on transcript NM_001035.3 (MANE Select); coding-DNA position 7781, T replaced by C.
Protein change: p.Phe2594Ser; replaces phenylalanine 2594 with serine.
Molecular consequence: missense variant.
Genome position (GRCh38, 1-based): chr1:237,651,458, T>C. VCF-style: chr1-237651458-T-C. GRCh37 (hg19) VCF-style: chr1-237814758-T-C.
Other names: short protein forms F2594S.
Identifiers: ClinVar variation 4800091 (VCV004800091.1).